The following is an entry in ClinVar:

ClinVar aggregate classification (germline): Uncertain significance (1 of 4 stars; one submission).

Conditions:
EGFR-related lung cancer (EGFR). Identifiers: MedGen CN130014.

Submission:

Labcorp Genetics (formerly Invitae), Labcorp
Classification: Uncertain significance for EGFR-related lung cancer. Last evaluated: 2019-11-28. Review status: criteria provided, single submitter. Criteria: Invitae Variant Classification Sherloc (09022015). Collection method: clinical testing. Allele origin: germline.
Comment: This sequence change replaces glutamic acid with aspartic acid at codon 400 of the EGFR protein (p.Glu400Asp). The glutamic acid residue is highly conserved and there is a small physicochemical difference between glutamic acid and aspartic acid. This variant is not present in population databases (ExAC no frequency). This variant has not been reported in the literature in individuals with EGFR-related conditions. Algorithms developed to predict the effect of missense changes on protein structure and function are either unavailable or do not agree on the potential impact of this missense change (SIFT: "Tolerated"; PolyPhen-2: "Probably Damaging"; Align-GVGD: "Class C0"). In summary, the available evidence is currently insufficient to determine the role of this variant in disease. Therefore, it has been classified as a Variant of Uncertain Significance.

NM_005228.5(EGFR):c.1200A>C (p.Glu400Asp)

Genes: EGFR (epidermal growth factor receptor; plus strand), LOC126860048 (P300/CBP strongly-dependent group 1 enhancer GRCh37_chr7:55223847-55225046; plus strand). Cytogenetic location: 7p11.2.
Variant type: single nucleotide variant.
Coding change: c.1200A>C on transcript NM_005228.5 (MANE Select); coding-DNA position 1200, A replaced by C.
Protein change: p.Glu400Asp; replaces glutamic acid 400 with aspartic acid.
Molecular consequence: missense variant.
Genome position (GRCh38, 1-based): chr7:55,156,825, A>C. VCF-style: chr7-55156825-A-C. GRCh37 (hg19) VCF-style: chr7-55224518-A-C.
Other names: c.1065A>C, p.Glu355Asp (NM_001346897.2, NM_001346899.2); c.1200A>C, p.Glu400Asp (NM_001346898.2, NM_201282.2, NM_201283.2 and 1 more transcripts); c.1041A>C, p.Glu347Asp (NM_001346900.2); c.399A>C, p.Glu133Asp (NM_001346941.2); short protein forms E355D, E347D, E400D, E133D.
Identifiers: ClinVar variation 839744 (VCV000839744.1), dbSNP rs1785445119, ClinGen allele CA367578705.
Genomic context (GRCh38, chr7:55,156,825, plus strand): 5'-CTTCACACATACTCCTCCTCTGGATCCACAGGAACTGGATATTCTGAAAACCGTAAAGGA[A>C]ATCACAGGTTTGAGCTGAATTATCACATGAATATAAATGGGAAATCAGTGTTTTAGAGAG-3'
Protein context (NP_005219.2, residues 390-410): QELDILKTVK[Glu400Asp]ITGFLLIQAW